The following is an entry in ClinVar:

NM_006947.4(SRP72):c.1471T>C (p.Tyr491His)

Gene: SRP72 (signal recognition particle 72; plus strand). Cytogenetic location: 4q12.
Variant type: single nucleotide variant.
Coding change: c.1471T>C on transcript NM_006947.4 (MANE Select); coding-DNA position 1471, T replaced by C.
Protein change: p.Tyr491His; replaces tyrosine 491 with histidine.
Molecular consequence: missense variant. On other transcripts: non-coding transcript variant (1).
Genome position (GRCh38, 1-based): chr4:56,490,614, T>C. VCF-style: chr4-56490614-T-C. GRCh37 (hg19) VCF-style: chr4-57356780-T-C.
Other names: c.1288T>C, p.Tyr430His (NM_001267722.2); c.1471T>C (NM_006947.3); short protein forms Y430H, Y491H.
Identifiers: ClinVar variation 3011893 (VCV003011893.4), dbSNP rs2545767766, ClinGen allele CA357001813.
Genomic context (GRCh38, chr4:56,490,614, plus strand): 5'-ATTTCTTCTTTTAGACAAAATCCAAAAGATATTCACACCCTGGCACAGCTTATTTCTGCT[T>C]ACTCACTTGTAGATCCAGAGAAAGCCAAAGCGTATCCTTTTGATTGTTATTCCTTACAGC-3'
Protein context (NP_008878.3, residues 481-501): IHTLAQLISA[Tyr491His]SLVDPEKAKA

ClinVar aggregate classification (germline): Uncertain significance. Review status: criteria provided, multiple submitters, no conflicts (2 of 4 stars). 2 submissions from 2 submitters: Uncertain significance (2). Last evaluated 2025-06-09.

Submissions (2):

Ambry Genetics
Classification: Uncertain significance. Last evaluated: 2025-06-09. Review status: criteria provided, single submitter. Criteria: Ambry Variant Classification Scheme 2023. Collection method: clinical testing. Allele origin: germline.
Comment: The p.Y491H variant (also known as c.1471T>C), located in coding exon 15 of the SRP72 gene, results from a T to C substitution at nucleotide position 1471. The tyrosine at codon 491 is replaced by histidine, an amino acid with similar properties. This amino acid position is conserved. In addition, this alteration is predicted to be deleterious by in silico analysis. Based on the available evidence, the clinical significance of this variant remains unclear.

Labcorp Genetics (formerly Invitae), Labcorp
Classification: Uncertain significance. Last evaluated: 2023-07-17. Review status: criteria provided, single submitter. Criteria: Invitae Variant Classification Sherloc (09022015). Collection method: clinical testing. Allele origin: germline.
Comment: This variant is not present in population databases (gnomAD no frequency). This sequence change replaces tyrosine, which is neutral and polar, with histidine, which is basic and polar, at codon 491 of the SRP72 protein (p.Tyr491His). This variant has not been reported in the literature in individuals affected with SRP72-related conditions. In summary, the available evidence is currently insufficient to determine the role of this variant in disease. Therefore, it has been classified as a Variant of Uncertain Significance. Advanced modeling of protein sequence and biophysical properties (such as structural, functional, and spatial information, amino acid conservation, physicochemical variation, residue mobility, and thermodynamic stability) performed at Invitae indicates that this missense variant is expected to disrupt SRP72 protein function.